The following is an entry in ClinVar:

ClinVar aggregate classification (germline): Conflicting classifications of pathogenicity. Review status: criteria provided, conflicting classifications (1 of 4 stars). 2 submissions from 2 submitters: Uncertain significance (1); Likely benign (1). Last evaluated 2024-10-16.

Conditions:
Inborn genetic diseases. Identifiers: MedGen C0950123, MeSH D030342.

Allele frequency attached by ClinVar (database versions not stated): 1000 Genomes Project 30x 0.00016; 1000 Genomes Project 0.00020; ESP Exome Variant Server 0.00046.

Submissions (2):

Labcorp Genetics (formerly Invitae), Labcorp
Classification: Uncertain significance. Last evaluated: 2024-10-16. Review status: criteria provided, single submitter. Criteria: Invitae Variant Classification Sherloc (09022015). Collection method: clinical testing. Allele origin: germline.
Comment: This sequence change replaces threonine, which is neutral and polar, with serine, which is neutral and polar, at codon 759 of the AASS protein (p.Thr759Ser). This variant is present in population databases (rs150922740, gnomAD 0.05%). This variant has not been reported in the literature in individuals affected with AASS-related conditions. ClinVar contains an entry for this variant (Variation ID: 2043984). Invitae Evidence Modeling of protein sequence and biophysical properties (such as structural, functional, and spatial information, amino acid conservation, physicochemical variation, residue mobility, and thermodynamic stability) indicates that this missense variant is not expected to disrupt AASS protein function with a negative predictive value of 80%. In summary, the available evidence is currently insufficient to determine the role of this variant in disease. Therefore, it has been classified as a Variant of Uncertain Significance.

Ambry Genetics
Classification: Likely benign for Inborn genetic diseases. Last evaluated: 2024-04-17. Review status: criteria provided, single submitter. Criteria: Ambry Variant Classification Scheme 2023. Collection method: clinical testing. Allele origin: germline.

Literature cited by the submitters: PubMed 36413997 (cited by Ambry Genetics).

NM_005763.4(AASS):c.2276C>G (p.Thr759Ser)

Gene: AASS (aminoadipate-semialdehyde synthase; minus strand). Cytogenetic location: 7q31.32.
Variant type: single nucleotide variant.
Coding change: c.2276C>G on transcript NM_005763.4 (MANE Select); coding-DNA position 2276, C replaced by G.
Protein change: p.Thr759Ser; replaces threonine 759 with serine.
Molecular consequence: missense variant.
Genome position (GRCh38, 1-based): chr7:122,081,504, G>C on the plus strand (C>G on the coding strand, the complement: AASS is on the minus strand). VCF-style: chr7-122081504-G-C. GRCh37 (hg19) VCF-style: chr7-121721558-G-C.
Other names: short protein forms T759S.
Identifiers: ClinVar variation 2043984 (VCV002043984.5), dbSNP rs150922740, ClinGen allele CA4458086.